The following is an entry in ClinVar:

NM_000059.4(BRCA2):c.1768T>C (p.Phe590Leu)

Gene: BRCA2 (BRCA2 DNA repair associated; plus strand). Cytogenetic location: 13q13.1.
Variant type: single nucleotide variant.
Coding change: c.1768T>C on transcript NM_000059.4 (MANE Select); coding-DNA position 1768, T replaced by C.
Protein change: p.Phe590Leu; replaces phenylalanine 590 with leucine.
Molecular consequence: missense variant. On other transcripts: non-coding transcript variant (1), intron variant (1).
Genome position (GRCh38, 1-based): chr13:32,333,246, T>C. VCF-style: chr13-32333246-T-C. GRCh37 (hg19) VCF-style: chr13-32907383-T-C.
Other names: c.1768T>C, p.Phe590Leu (NM_001406719.1, NM_001406720.1, NM_001406721.1 and 1 more transcripts); c.424+2216T>C (NM_001406722.1); short protein forms F590L.
Identifiers: ClinVar variation 5033291 (VCV005033291.1).

ClinVar aggregate classification (germline): Uncertain significance (1 of 4 stars; one submission).

Conditions:
Hereditary cancer-predisposing syndrome. Also called: Neoplastic Syndromes, Hereditary; Tumor predisposition; Hereditary neoplastic syndrome; Hereditary Cancer Syndrome. Identifiers: Orphanet 140162, MedGen C0027672, MeSH D009386, MONDO:0015356.

gnomAD v4.1: 1 of 1,612,012 alleles (0.000062%); highest among the groups gnomAD compares: Non-Finnish European, 0.000085%; no homozygotes.

Submission:

Ambry Genetics
Classification: Uncertain significance for Hereditary cancer-predisposing syndrome. Last evaluated: 2026-07-07. Review status: criteria provided, single submitter. Criteria: Ambry Variant Classification Scheme 2023. Collection method: clinical testing. Allele origin: germline.
Comment: The p.F590L variant (also known as c.1768T>C), located in coding exon 9 of the BRCA2 gene, results from a T to C substitution at nucleotide position 1768. The phenylalanine at codon 590 is replaced by leucine, an amino acid with highly similar properties. This amino acid position is conserved. In addition, the in silico prediction for this alteration is inconclusive. Based on the available evidence, the clinical significance of this variant remains unclear.